The following is an entry in ClinVar:

ClinVar aggregate classification (germline): Uncertain significance. Review status: criteria provided, multiple submitters, no conflicts (2 of 4 stars). 2 submissions from 2 submitters: Uncertain significance (2). Last evaluated 2025-07-25.

Conditions:
Hereditary cancer-predisposing syndrome. Also called: Hereditary neoplastic syndrome; Neoplastic Syndromes, Hereditary; Hereditary Cancer Syndrome; Tumor predisposition. Identifiers: Orphanet 140162, MedGen C0027672, MeSH D009386, MONDO:0015356.
Familial cancer of breast. Also called: BREAST CANCER, FAMILIAL; Hereditary breast cancer; hereditary breast carcinoma. Identifiers: Orphanet 227535, MedGen C0346153, MONDO:0016419, OMIM 114480. Disease mechanism: loss of function.

Allele frequency attached by ClinVar (database versions not stated): gnomAD 0.00001.
gnomAD v4.1: 3 of 1,613,672 alleles (0.00019%); highest among the groups gnomAD compares: Non-Finnish European, 0.00025%; no homozygotes.

Submissions (2):

Ambry Genetics
Classification: Uncertain significance for Hereditary cancer-predisposing syndrome. Last evaluated: 2025-07-25. Review status: criteria provided, single submitter. Criteria: Ambry Variant Classification Scheme 2023. Collection method: clinical testing. Allele origin: germline.
Comment: The p.I169L variant (also known as c.505A>C), located in coding exon 4 of the BARD1 gene, results from an A to C substitution at nucleotide position 505. The isoleucine at codon 169 is replaced by leucine, an amino acid with highly similar properties. This amino acid position is conserved. In addition, this alteration is predicted to be tolerated by in silico analysis. Based on the available evidence, the clinical significance of this variant remains unclear.

Labcorp Genetics (formerly Invitae), Labcorp
Classification: Uncertain significance for Familial cancer of breast. Last evaluated: 2025-01-30. Review status: criteria provided, single submitter. Criteria: Invitae Variant Classification Sherloc (09022015). Collection method: clinical testing. Allele origin: germline.
Comment: This sequence change replaces isoleucine, which is neutral and non-polar, with leucine, which is neutral and non-polar, at codon 169 of the BARD1 protein (p.Ile169Leu). The frequency data for this variant in the population databases is considered unreliable, as metrics indicate poor data quality at this position in the gnomAD database. This variant has not been reported in the literature in individuals affected with BARD1-related conditions. ClinVar contains an entry for this variant (Variation ID: 530184). An algorithm developed to predict the effect of missense changes on protein structure and function (PolyPhen-2) suggests that this variant is likely to be tolerated. In summary, the available evidence is currently insufficient to determine the role of this variant in disease. Therefore, it has been classified as a Variant of Uncertain Significance.

NM_000465.4(BARD1):c.505A>C (p.Ile169Leu)

Gene: BARD1 (BRCA1 associated RING domain 1; minus strand). Cytogenetic location: 2q35.
Variant type: single nucleotide variant.
Coding change: c.505A>C on transcript NM_000465.4 (MANE Select); coding-DNA position 505, A replaced by C.
Protein change: p.Ile169Leu; replaces isoleucine 169 with leucine.
Molecular consequence: missense variant. On other transcripts: non-coding transcript variant (2), intron variant (3).
Genome position (GRCh38, 1-based): chr2:214,781,369, T>G on the plus strand (A>C on the coding strand, the complement: BARD1 is on the minus strand). VCF-style: chr2-214781369-T-G. GRCh37 (hg19) VCF-style: chr2-215646093-T-G.
Other names: c.448A>C, p.Ile150Leu (NM_001282543.2); c.158+28043A>C (NM_001282548.2); c.215+15692A>C (NM_001282545.2); c.364+10928A>C (NM_001282549.2); c.505A>C (NM_000465.2); short protein forms I169L, I150L.
Identifiers: ClinVar variation 530184 (VCV000530184.10), dbSNP rs765494437, ClinGen allele CA2090417.